The following is an entry in ClinVar:

NM_004744.5(LRAT):c.*1338T>G

Gene: LRAT (lecithin retinol acyltransferase; plus strand). Cytogenetic location: 4q32.1.
Variant type: single nucleotide variant.
Coding change: c.*1338T>G on transcript NM_004744.5 (MANE Select); 1338 bases downstream of the stop codon, T replaced by G.
Molecular consequence: 3 prime UTR variant.
Genome position (GRCh38, 1-based): chr4:154,750,474, T>G. VCF-style: chr4-154750474-T-G. GRCh37 (hg19) VCF-style: chr4-155671626-T-G.
Other names: c.*1338T>G (NM_001301645.2).
Identifiers: ClinVar variation 347865 (VCV000347865.7), dbSNP rs12507608, ClinGen allele CA10617255.

ClinVar aggregate classification (germline): Benign/Likely benign. Review status: criteria provided, multiple submitters, no conflicts (2 of 4 stars). 3 submissions from 2 submitters: Benign (2); Likely benign (1). Last evaluated 2018-01-12.

Conditions:
Leber congenital amaurosis 14 (LCA14). Identifiers: MedGen C2750063, MONDO:0013231, OMIM 613341.
Retinitis pigmentosa (RP). Identifiers: Orphanet 791, MedGen C0035334, MeSH D012174, MONDO:0019200, OMIM 268000. Inheritance: Autosomal dominant, autosomal recessive and X linked inheritance.

Allele frequency attached by ClinVar (database versions not stated): gnomAD 0.09793 and 0.10231; TOPMed 0.10756; 1000 Genomes Project 0.13618; 1000 Genomes Project 30x 0.14210.

Submissions (3):

Illumina Laboratory Services, Illumina
Classification: Benign for Retinitis pigmentosa. Last evaluated: 2018-01-12. Review status: criteria provided, single submitter. Criteria: ICSL Variant Classification Criteria 13 December 2019. Collection method: clinical testing. Allele origin: germline.
Comment: This variant was observed in the ICSL laboratory as part of a predisposition screen in an ostensibly healthy population. It had not been previously curated by ICSL or reported in the Human Gene Mutation Database (HGMD: prior to June 1st, 2018), and was therefore a candidate for classification through an automated scoring system. Utilizing variant allele frequency, disease prevalence and penetrance estimates, and inheritance mode, an automated score was calculated to assess if this variant is too frequent to cause the disease. Based on the score and internal cut-off values, a variant classified as benign is not then subjected to further curation. The score for this variant resulted in a classification of benign for this disease.

Illumina Laboratory Services, Illumina
Classification: Benign for Leber congenital amaurosis 14. Last evaluated: 2018-01-12. Review status: criteria provided, single submitter. Criteria: ICSL Variant Classification Criteria 13 December 2019. Collection method: clinical testing. Allele origin: germline.
Comment: the same text as in the submission from Illumina Laboratory Services, Illumina above.

Breakthrough Genomics
Classification: Likely benign. Review status: criteria provided, single submitter. Criteria: ACMG Guidelines, 2015. Collection method: not provided. Allele origin: germline. Inheritance: Autosomal recessive inheritance. Affected: yes.